The following is an entry in ClinVar:

NM_130839.5(UBE3A):c.1394A>G (p.Lys465Arg)

Genes: SNHG14 (small nucleolar RNA host gene 14; plus strand), UBE3A (ubiquitin protein ligase E3A; minus strand). Cytogenetic location: 15q11.2.
Variant type: single nucleotide variant.
Coding change: c.1394A>G on transcript NM_130839.5 (MANE Select); coding-DNA position 1394, A replaced by G.
Protein change: p.Lys465Arg; replaces lysine 465 with arginine.
Molecular consequence: missense variant. On other transcripts: non-coding transcript variant (1), intron variant (2).
Genome position (GRCh38, 1-based): chr15:25,370,780, T>C on the plus strand (A>G on the coding strand, the complement: UBE3A is on the minus strand). VCF-style: chr15-25370780-T-C. GRCh37 (hg19) VCF-style: chr15-25615927-T-C.
Other names: c.1403A>G, p.Lys468Arg (NM_000462.5); c.1394A>G, p.Lys465Arg (NM_001354505.1, NM_001354538.2, NM_001354545.2); c.1334A>G, p.Lys445Arg (NM_001354506.2, NM_001354507.2, NM_001354508.2 and 17 more transcripts); c.1217A>G, p.Lys406Arg (NM_001354546.2); c.301+4685A>G (NM_001354551.2); c.361+4685A>G (NM_001354550.2); short protein forms K465R, K445R, K468R, K406R.
Identifiers: ClinVar variation 2809490 (VCV002809490.3), dbSNP rs2080193074, ClinGen allele CA391353699.
Genomic context (GRCh38, chr15:25,370,780, plus strand): 5'-GTGACAGCATTCAATATAAAGGGACATGTCATAAAAGAGAATTTGTTCTCTGTTTCTACT[T>C]TGAAAAAAGTATAATCTTTATCCATTTCTAGAACCTCATTCAGTGGTTCATTAATAAACT-3'
Protein context (NP_570854.1, residues 455-475): LEMDKDYTFF[Lys465Arg]VETENKFSFM

ClinVar aggregate classification (germline): Uncertain significance (1 of 4 stars; one submission).

Conditions:
Angelman syndrome (AS). Also called: HAPPY PUPPET SYNDROME. Identifiers: Orphanet 72, MedGen C0162635, MONDO:0007113, OMIM 105830. Disease mechanism: loss of function. Inheritance: AS is caused by disruption of maternally imprinted UBE3A located within the 15q11.2-q13 Angelman syndrome/Prader-Willi syndrome (AS/PWS) region., imprinting disorder.

Submission:

Labcorp Genetics (formerly Invitae), Labcorp
Classification: Uncertain significance for Angelman syndrome. Last evaluated: 2024-07-01. Review status: criteria provided, single submitter. Criteria: Invitae Variant Classification Sherloc (09022015). Collection method: clinical testing. Allele origin: germline.
Comment: This sequence change replaces lysine, which is basic and polar, with arginine, which is basic and polar, at codon 445 of the UBE3A protein (p.Lys445Arg). This variant is not present in population databases (gnomAD no frequency). This variant has not been reported in the literature in individuals affected with UBE3A-related conditions. Advanced modeling of protein sequence and biophysical properties (such as structural, functional, and spatial information, amino acid conservation, physicochemical variation, residue mobility, and thermodynamic stability) has been performed at Invitae for this missense variant, however the output from this modeling did not meet the statistical confidence thresholds required to predict the impact of this variant on UBE3A protein function. In summary, the available evidence is currently insufficient to determine the role of this variant in disease. Therefore, it has been classified as a Variant of Uncertain Significance.